The following is an entry in ClinVar:

NM_014743.3(KIAA0232):c.1913T>C (p.Ile638Thr)

Gene: KIAA0232 (KIAA0232; plus strand). Cytogenetic location: 4p16.1.
Variant type: single nucleotide variant.
Coding change: c.1913T>C on transcript NM_014743.3 (MANE Select); coding-DNA position 1913, T replaced by C.
Protein change: p.Ile638Thr; replaces isoleucine 638 with threonine.
Molecular consequence: missense variant.
Genome position (GRCh38, 1-based): chr4:6,862,295, T>C. VCF-style: chr4-6862295-T-C. GRCh37 (hg19) VCF-style: chr4-6864022-T-C.
Other names: c.1913T>C, p.Ile638Thr (NM_001100590.2); short protein forms I638T.
Identifiers: ClinVar variation 3051427 (VCV003051427.2), dbSNP rs187923587, ClinGen allele CA2842481.

ClinVar aggregate classification (germline): Likely benign (0 of 4 stars; one submission).

Conditions:
KIAA0232-related disorder. Also called: KIAA0232-related condition.

Allele frequency attached by ClinVar (database versions not stated): ESP Exome Variant Server 0.00008; ExAC 0.00014; gnomAD 0.00038; TOPMed 0.00068; 1000 Genomes Project 0.00080; 1000 Genomes Project 30x 0.00094.
gnomAD v4.1: 241 of 1,614,142 alleles (0.015%); highest among the groups gnomAD compares: Admixed American, 0.088%; 1 homozygote.

Submission:

PreventionGenetics, part of Exact Sciences
Classification: Likely benign for KIAA0232-related condition. Last evaluated: 2022-12-27. Review status: no assertion criteria provided. Collection method: clinical testing. Allele origin: germline.
Comment: This variant is classified as likely benign based on ACMG/AMP sequence variant interpretation guidelines (Richards et al. 2015 PMID: 25741868, with internal and published modifications).